The following is an entry in ClinVar:

NM_003036.4(SKI):c.2036C>T (p.Ala679Val)

Gene: SKI (SKI proto-oncogene; plus strand). Cytogenetic location: 1p36.32.
Variant type: single nucleotide variant.
Coding change: c.2036C>T on transcript NM_003036.4 (MANE Select); coding-DNA position 2036, C replaced by T.
Protein change: p.Ala679Val; replaces alanine 679 with valine.
Molecular consequence: missense variant.
Genome position (GRCh38, 1-based): chr1:2,306,614, C>T. VCF-style: chr1-2306614-C-T. GRCh37 (hg19) VCF-style: chr1-2238053-C-T.
Other names: short protein forms A679V.
Identifiers: ClinVar variation 4738569 (VCV004738569.1).
Genomic context (GRCh38, chr1:2,306,614, plus strand): 5'-CTGACCACTCGGCTCCCTTTCAGATCGAAGACCTGCAGGTGAAGCTGCAGCACGCGGAGG[C>T]GGACCGGGAGCAGCTGCGGGCCGACCTGCTGCGGGAGCGCGAGGCCCGGGAGCACCTGGA-3'
Protein context (NP_003027.1, residues 669-689): DLQVKLQHAE[Ala679Val]DREQLRADLL

ClinVar aggregate classification (germline): Uncertain significance (1 of 4 stars; one submission).

Conditions:
Shprintzen-Goldberg syndrome (SGS). Also called: Marfanoid disorder with craniosynostosis type 1; Marfanoid craniosynostosis syndrome; Shprintzen-Goldberg marfanoid syndrome; SHPRINTZEN-GOLDBERG CRANIOSYNOSTOSIS SYNDROME; CRANIOSYNOSTOSIS WITH ARACHNODACTYLY AND ABDOMINAL HERNIAS. Identifiers: Orphanet 2462, MedGen C1321551, MONDO:0008426, OMIM 182212.

Submission:

Labcorp Genetics (formerly Invitae), Labcorp
Classification: Uncertain significance for Shprintzen-Goldberg syndrome. Last evaluated: 2025-09-16. Review status: criteria provided, single submitter. Criteria: Invitae Variant Classification Sherloc (09022015). Collection method: clinical testing. Allele origin: germline.
Comment: This sequence change replaces alanine, which is neutral and non-polar, with valine, which is neutral and non-polar, at codon 679 of the SKI protein (p.Ala679Val). This variant is not present in population databases (gnomAD no frequency). This missense change has been observed in individual(s) with thoracic aortic dissection (PMID: 29543232). Invitae Evidence Modeling of protein sequence and biophysical properties (such as structural, functional, and spatial information, amino acid conservation, physicochemical variation, residue mobility, and thermodynamic stability) indicates that this missense variant is not expected to disrupt SKI protein function with a negative predictive value of 95%. In summary, the available evidence is currently insufficient to determine the role of this variant in disease. Therefore, it has been classified as a Variant of Uncertain Significance.

Literature cited by the submitters: PubMed 29543232.